The following is an entry in ClinVar:

ClinVar aggregate classification (germline): Uncertain significance. Review status: criteria provided, multiple submitters, no conflicts (2 of 4 stars). 2 submissions from 2 submitters: Uncertain significance (2). Last evaluated 2025-12-29.

Conditions:
Inborn genetic diseases. Identifiers: MedGen C0950123, MeSH D030342.

gnomAD v4.1: 1 of 1,613,102 alleles (0.000062%); highest among the groups gnomAD compares: Admixed American, 0.0017%; no homozygotes.

Submissions (2):

Ambry Genetics
Classification: Uncertain significance for Inborn genetic diseases. Last evaluated: 2025-12-29. Review status: criteria provided, single submitter. Criteria: Ambry Variant Classification Scheme 2023. Collection method: clinical testing. Allele origin: germline.
Comment: The p.P29T variant (also known as c.85C>A), located in coding exon 2 of the ERCC6L2 gene, results from a C to A substitution at nucleotide position 85. The proline at codon 29 is replaced by threonine, an amino acid with highly similar properties. This amino acid position is conserved. In addition, this alteration is predicted to be tolerated by in silico analysis. Based on the available evidence, the clinical significance of this variant remains unclear.

Labcorp Genetics (formerly Invitae), Labcorp
Classification: Uncertain significance. Last evaluated: 2022-03-08. Review status: criteria provided, single submitter. Criteria: Invitae Variant Classification Sherloc (09022015). Collection method: clinical testing. Allele origin: germline.
Comment: Algorithms developed to predict the effect of missense changes on protein structure and function output the following: SIFT: "Tolerated"; PolyPhen-2: "Not Available"; Align-GVGD: "Class C0". The threonine amino acid residue is found in multiple mammalian species, which suggests that this missense change does not adversely affect protein function. In summary, the available evidence is currently insufficient to determine the role of this variant in disease. Therefore, it has been classified as a Variant of Uncertain Significance. This variant has not been reported in the literature in individuals affected with ERCC6L2-related conditions. This variant is not present in population databases (gnomAD no frequency). This sequence change replaces proline, which is neutral and non-polar, with threonine, which is neutral and polar, at codon 40 of the ERCC6L2 protein (p.Pro40Thr).

NM_020207.7(ERCC6L2):c.85C>A (p.Pro29Thr)

Gene: ERCC6L2 (ERCC excision repair 6 like 2; plus strand). Cytogenetic location: 9q22.32.
Variant type: single nucleotide variant.
Coding change: c.85C>A on transcript NM_020207.7 (MANE Select); coding-DNA position 85, C replaced by A.
Protein change: p.Pro29Thr; replaces proline 29 with threonine.
Molecular consequence: missense variant. On other transcripts: non-coding transcript variant (1).
Genome position (GRCh38, 1-based): chr9:95,880,907, C>A. VCF-style: chr9-95880907-C-A. GRCh37 (hg19) VCF-style: chr9-98643189-C-A.
Other names: c.85C>A, p.Pro29Thr (NM_001010895.4, NM_001375291.1, NM_001375292.1 and 2 more transcripts); short protein forms P29T.
Identifiers: ClinVar variation 1491647 (VCV001491647.7), dbSNP rs2132512497, ClinGen allele CA374116619.